The following is an entry in ClinVar:

ClinVar aggregate classification (germline): Uncertain significance. Review status: criteria provided, multiple submitters, no conflicts (2 of 4 stars). 2 submissions from 2 submitters: Uncertain significance (2). Last evaluated 2025-02-24.

Conditions:
Inborn genetic diseases. Identifiers: MedGen C0950123, MeSH D030342.

Allele frequency attached by ClinVar (database versions not stated): gnomAD 0.00001; TOPMed 0.00001.
gnomAD v4.1: 5 of 1,591,898 alleles (0.00031%); highest among the groups gnomAD compares: Non-Finnish European, 0.00026%; no homozygotes.

Submissions (2):

Ambry Genetics
Classification: Uncertain significance for Inborn genetic diseases. Last evaluated: 2025-02-24. Review status: criteria provided, single submitter. Criteria: Ambry Variant Classification Scheme 2023. Collection method: clinical testing. Allele origin: germline.
Comment: The p.L375F variant (also known as c.1123C>T), located in coding exon 6 of the ERCC6L2 gene, results from a C to T substitution at nucleotide position 1123. The leucine at codon 375 is replaced by phenylalanine, an amino acid with highly similar properties. This amino acid position is conserved. In addition, the in silico prediction for this alteration is inconclusive. Based on the available evidence, the clinical significance of this variant remains unclear.

Labcorp Genetics (formerly Invitae), Labcorp
Classification: Uncertain significance. Last evaluated: 2020-11-04. Review status: criteria provided, single submitter. Criteria: Invitae Variant Classification Sherloc (09022015). Collection method: clinical testing. Allele origin: germline.
Comment: In summary, the available evidence is currently insufficient to determine the role of this variant in disease. Therefore, it has been classified as a Variant of Uncertain Significance. Algorithms developed to predict the effect of missense changes on protein structure and function are either unavailable or do not agree on the potential impact of this missense change (SIFT: "Tolerated"; PolyPhen-2: "Not Available"; Align-GVGD: "Class C0"). This variant has not been reported in the literature in individuals with ERCC6L2-related conditions. This variant is not present in population databases (ExAC no frequency). This sequence change replaces leucine with phenylalanine at codon 386 of the ERCC6L2 protein (p.Leu386Phe). The leucine residue is moderately conserved and there is a small physicochemical difference between leucine and phenylalanine.

NM_020207.7(ERCC6L2):c.1123C>T (p.Leu375Phe)

Gene: ERCC6L2 (ERCC excision repair 6 like 2; plus strand). Cytogenetic location: 9q22.32.
Variant type: single nucleotide variant.
Coding change: c.1123C>T on transcript NM_020207.7 (MANE Select); coding-DNA position 1123, C replaced by T.
Protein change: p.Leu375Phe; replaces leucine 375 with phenylalanine.
Molecular consequence: missense variant. On other transcripts: non-coding transcript variant (1).
Genome position (GRCh38, 1-based): chr9:95,916,399, C>T. VCF-style: chr9-95916399-C-T. GRCh37 (hg19) VCF-style: chr9-98678681-C-T.
Other names: c.1123C>T, p.Leu375Phe (NM_001010895.4, NM_001375291.1, NM_001375292.1 and 2 more transcripts); short protein forms L375F.
Identifiers: ClinVar variation 1524908 (VCV001524908.9), dbSNP rs778815009, ClinGen allele CA374122979.